The following is an entry in ClinVar:

NM_006017.3(PROM1):c.1074_1076dup (p.Gln359dup)

Gene: PROM1 (prominin 1; minus strand). Cytogenetic location: 4p15.32.
Variant type: Duplication.
Coding change: c.1074_1076dup on transcript NM_006017.3 (MANE Select); coding-DNA positions 1074 to 1076, 3 bases duplicated (ACA; older notation c.1074_1076dupACA).
Protein change: p.Gln359dup; duplicates glutamine 359.
Molecular consequence: inframe insertion.
Genome position (GRCh38, 1-based): chr4:16,016,167-16,016,169, TGT duplicated on the plus strand (ACA on the coding strand, the reverse complement: PROM1 is on the minus strand); duplicating any 3 consecutive bases within chr4:16,016,167-16,016,171 gives the same sequence; the c. name uses the placement nearest the transcript's 3' end. VCF-style (leftmost placement, unchanged base first): chr4-16016166-C-CTGT. GRCh37 (hg19) VCF-style: chr4-16017789-C-CTGT.
Other names: c.1047_1049dup, p.Gln350dup (NM_001145847.2, NM_001145848.2, NM_001145851.2 and 4 more transcripts); c.1074_1076dup, p.Gln359dup (NM_001145849.2, NM_001145850.2).
Identifiers: ClinVar variation 1365245 (VCV001365245.9), dbSNP rs2149291195, ClinGen allele CA2573137636.

ClinVar aggregate classification (germline): Uncertain significance. Review status: criteria provided, multiple submitters, no conflicts (2 of 4 stars). 2 submissions from 2 submitters: Uncertain significance (2). Last evaluated 2025-04-11.

Submissions (2):

Labcorp Genetics (formerly Invitae), Labcorp
Classification: Uncertain significance. Last evaluated: 2025-04-11. Review status: criteria provided, single submitter. Criteria: Invitae Variant Classification Sherloc (09022015). Collection method: clinical testing. Allele origin: germline.
Comment: This variant, c.1074_1076dup, results in the insertion of 1 amino acid(s) of the PROM1 protein (p.Gln359dup), but otherwise preserves the integrity of the reading frame. This variant is not present in population databases (gnomAD no frequency). This variant has not been reported in the literature in individuals affected with PROM1-related conditions. ClinVar contains an entry for this variant (Variation ID: 1365245). Experimental studies and prediction algorithms are not available or were not evaluated, and the functional significance of this variant is currently unknown. In summary, the available evidence is currently insufficient to determine the role of this variant in disease. Therefore, it has been classified as a Variant of Uncertain Significance.

Blueprint Genetics
Classification: Uncertain significance. Last evaluated: 2020-08-12. Review status: criteria provided, single submitter. Criteria: ACMG Guidelines, 2015. Collection method: clinical testing. Allele origin: germline.